The following is an entry in ClinVar:

ClinVar aggregate classification (germline): Uncertain significance. Review status: criteria provided, multiple submitters, no conflicts (2 of 4 stars). 3 submissions from 3 submitters: Uncertain significance (3). Last evaluated 2022-02-03.

Conditions:
Charcot-Marie-Tooth disease axonal type 2O. Also called: CHARCOT-MARIE-TOOTH NEUROPATHY, AXONAL, TYPE 2O; CHARCOT-MARIE-TOOTH DISEASE, AXONAL, AUTOSOMAL DOMINANT, TYPE 2O; Charcot-Marie-Tooth disease, axonal, type 20; Charcot-Marie-Tooth Neuropathy Type 2O. Identifiers: Orphanet 284232, MedGen C3280220, MONDO:0013644, OMIM 614228.

Allele frequency attached by ClinVar (database versions not stated): gnomAD exomes below 0.00001.
gnomAD v4.1: 1 of 1,613,762 alleles (0.000062%); highest among the groups gnomAD compares: Non-Finnish European, 0.000085%; no homozygotes.

Submissions (3):

Labcorp Genetics (formerly Invitae), Labcorp
Classification: Uncertain significance for Charcot-Marie-Tooth disease axonal type 2O. Last evaluated: 2022-02-03. Review status: criteria provided, single submitter. Criteria: Invitae Variant Classification Sherloc (09022015). Collection method: clinical testing. Allele origin: germline.
Comment: This variant is not present in population databases (gnomAD no frequency). In summary, the available evidence is currently insufficient to determine the role of this variant in disease. Therefore, it has been classified as a Variant of Uncertain Significance. Advanced modeling of protein sequence and biophysical properties (such as structural, functional, and spatial information, amino acid conservation, physicochemical variation, residue mobility, and thermodynamic stability) performed at Invitae indicates that this missense variant is not expected to disrupt DYNC1H1 protein function. ClinVar contains an entry for this variant (Variation ID: 803046). This variant has not been reported in the literature in individuals affected with DYNC1H1-related conditions. This sequence change replaces isoleucine, which is neutral and non-polar, with valine, which is neutral and non-polar, at codon 99 of the DYNC1H1 protein (p.Ile99Val).

GeneDx
Classification: Uncertain significance. Last evaluated: 2020-06-10. Review status: criteria provided, single submitter. Criteria: GeneDx Variant Classification Process June 2021. Collection method: clinical testing. Allele origin: germline. Affected: yes.
Comment: Not observed at a significant frequency in large population cohorts (Lek et al., 2016); In silico analysis, which includes protein predictors and evolutionary conservation, supports that this variant does not alter protein structure/function; Has not been previously published as pathogenic or benign to our knowledge

Mendelics
Classification: Uncertain significance for Charcot-Marie-Tooth disease axonal type 2O. Last evaluated: 2019-05-28. Review status: criteria provided, single submitter. Criteria: Mendelics Assertion Criteria 2017. Collection method: clinical testing. Allele origin: unknown.

NM_001376.5(DYNC1H1):c.295A>G (p.Ile99Val)

Gene: DYNC1H1 (dynein cytoplasmic 1 heavy chain 1; plus strand). Cytogenetic location: 14q32.31.
Variant type: single nucleotide variant.
Coding change: c.295A>G on transcript NM_001376.5 (MANE Select); coding-DNA position 295, A replaced by G.
Protein change: p.Ile99Val; replaces isoleucine 99 with valine.
Molecular consequence: missense variant.
Genome position (GRCh38, 1-based): chr14:101,975,750, A>G. VCF-style: chr14-101975750-A-G. GRCh37 (hg19) VCF-style: chr14-102442087-A-G.
Other names: short protein forms I99V.
Identifiers: ClinVar variation 803046 (VCV000803046.13), dbSNP rs1595595758, ClinGen allele CA391006221.